The following is an entry in ClinVar:

ClinVar aggregate classification (germline): Uncertain significance (1 of 4 stars; one submission).

Conditions:
Pulmonary fibrosis and/or bone marrow failure, Telomere-related, 3. Also called: PULMONARY FIBROSIS AND/OR BONE MARROW FAILURE SYNDROME, TELOMERE-RELATED, 3. Identifiers: Orphanet 2032, MedGen C4225346, MONDO:0014613, OMIM 616373.
Dyskeratosis congenita, autosomal recessive 5 (DKCB5). Identifiers: MedGen C3554656, MONDO:0014076, OMIM 615190.

Submission:

Labcorp Genetics (formerly Invitae), Labcorp
Classification: Uncertain significance for Dyskeratosis congenita, autosomal recessive 5; Pulmonary fibrosis and/or bone marrow failure, Telomere-related, 3. Last evaluated: 2024-09-16. Review status: criteria provided, single submitter. Criteria: Invitae Variant Classification Sherloc (09022015). Collection method: clinical testing. Allele origin: germline.
Comment: This sequence change replaces valine, which is neutral and non-polar, with phenylalanine, which is neutral and non-polar, at codon 967 of the RTEL1 protein (p.Val967Phe). This variant is not present in population databases (gnomAD no frequency). This variant has not been reported in the literature in individuals affected with RTEL1-related conditions. An algorithm developed to predict the effect of missense changes on protein structure and function (PolyPhen-2) suggests that this variant is likely to be tolerated. In summary, the available evidence is currently insufficient to determine the role of this variant in disease. Therefore, it has been classified as a Variant of Uncertain Significance.

NM_001283009.2(RTEL1):c.2899G>T (p.Val967Phe)

Genes: RTEL1 (regulator of telomere elongation helicase 1; plus strand), RTEL1-TNFRSF6B (RTEL1-TNFRSF6B readthrough (NMD candidate); plus strand). Cytogenetic location: 20q13.33.
Variant type: single nucleotide variant.
Coding change: c.2899G>T on transcript NM_001283009.2 (MANE Select); coding-DNA position 2899, G replaced by T.
Protein change: p.Val967Phe; replaces valine 967 with phenylalanine.
Molecular consequence: missense variant. On other transcripts: non-coding transcript variant (1).
Genome position (GRCh38, 1-based): chr20:63,693,190, G>T. VCF-style: chr20-63693190-G-T. GRCh37 (hg19) VCF-style: chr20-62324543-G-T.
Other names: c.2230G>T, p.Val744Phe (NM_001283010.1); c.2899G>T, p.Val967Phe (NM_016434.4); c.2971G>T, p.Val991Phe (NM_032957.5); short protein forms V744F, V967F, V991F.
Identifiers: ClinVar variation 3747900 (VCV003747900.2).